The following is an entry in ClinVar:

NM_022455.5(NSD1):c.7923T>C (p.Ala2641=)

Gene: NSD1 (nuclear receptor binding SET domain protein 1; plus strand). Cytogenetic location: 5q35.3.
Variant type: single nucleotide variant.
Coding change: c.7923T>C on transcript NM_022455.5 (MANE Select); coding-DNA position 7923, T replaced by C.
Protein change: p.Ala2641=; no amino-acid change (alanine 2641 retained).
Molecular consequence: synonymous variant.
Genome position (GRCh38, 1-based): chr5:177,295,291, T>C. VCF-style: chr5-177295291-T-C. GRCh37 (hg19) VCF-style: chr5-176722292-T-C.
Other names: c.7050T>C, p.Ala2350= (NM_001365684.2, NM_001409308.1, NM_172349.5); c.7923T>C, p.Ala2641= (NM_001409301.1, NM_001409302.1, NM_001409303.1); c.7503T>C, p.Ala2501= (NM_001409304.1); c.7170T>C, p.Ala2390= (NM_001409305.1); c.7161T>C, p.Ala2387= (NM_001409306.1, NM_001409307.1); c.6801T>C, p.Ala2267= (NM_001409309.1).
Identifiers: ClinVar variation 159444 (VCV000159444.41), dbSNP rs147033795, ClinGen allele CA295123.

ClinVar aggregate classification (germline): Conflicting classifications of pathogenicity. Review status: criteria provided, conflicting classifications (1 of 4 stars). 4 submissions from 4 submitters: Uncertain significance (1); Likely benign (3). Last evaluated 2025-02-07.

Conditions:
Sotos syndrome (SOTOS). Also called: CHROMOSOME 5q35 DELETION SYNDROME; CEREBRAL GIGANTISM; Sotos' syndrome; Distinctive facial appearance, overgrowth in childhood, and learning disabilities or delayed development; SOTOS SYNDROME 1. Identifiers: Orphanet 821, MedGen C0175695, MONDO:0019349, OMIM 117550.

Allele frequency attached by ClinVar (database versions not stated): gnomAD 0.00002 and 0.00003; TOPMed 0.00002; ExAC 0.00003; gnomAD exomes 0.00004 and 0.00007; ESP Exome Variant Server 0.00008.
gnomAD v4.1: 109 of 1,614,124 alleles (0.0068%); highest among the groups gnomAD compares: Non-Finnish European, 0.0081%; no homozygotes.

Submissions (4):

Labcorp Genetics (formerly Invitae), Labcorp
Classification: Likely benign. Last evaluated: 2025-02-07. Review status: criteria provided, single submitter. Criteria: Invitae Variant Classification Sherloc (09022015). Collection method: clinical testing. Allele origin: germline.

Blueprint Genetics
Classification: Likely benign. Last evaluated: 2023-06-07. Review status: criteria provided, single submitter. Criteria: ACMG Guidelines, 2015. Collection method: clinical testing. Allele origin: germline.

CeGaT Center for Human Genetics Tuebingen
Classification: Likely benign. Last evaluated: 2023-02-01. Review status: criteria provided, single submitter. Criteria: CeGaT Center For Human Genetics Tuebingen Variant Classification Criteria Version 2. Collection method: clinical testing. Allele origin: germline. Affected: yes. Observed: 1 variant allele.
Comment: NSD1: BP4, BP7

Genetic Services Laboratory, University of Chicago
Classification: Uncertain significance for Sotos syndrome 1. Last evaluated: 2013-02-08. Review status: criteria provided, single submitter. Criteria: ACMG Guidelines, 2007. Collection method: clinical testing. Allele origin: germline. Inheritance: Autosomal dominant inheritance.